The following is an entry in ClinVar:

ClinVar aggregate classification (germline): Uncertain significance. Review status: criteria provided, multiple submitters, no conflicts (2 of 4 stars). 5 submissions from 5 submitters: Uncertain significance (4). 1 of the submissions does not count toward it. Last evaluated 2023-04-11.

Conditions:
Inborn genetic diseases. Identifiers: MedGen C0950123, MeSH D030342.
Usher syndrome type 1F (USH1F). Also called: USHER SYNDROME, TYPE IF. Identifiers: Orphanet 231169, Orphanet 886, MedGen C1865885, MONDO:0011186, OMIM 602083.

Allele frequency attached by ClinVar (database versions not stated): gnomAD 0.00004 and 0.00003; TOPMed 0.00004; ESP Exome Variant Server 0.00008; gnomAD exomes 0.00001 and below 0.00001.
gnomAD v4.1: 9 of 1,613,602 alleles (0.00056%); highest among the groups gnomAD compares: African/African-American, 0.0013%; no homozygotes.

Submissions (5):

Ambry Genetics
Classification: Uncertain significance for Inborn genetic diseases. Last evaluated: 2023-04-11. Review status: criteria provided, single submitter. Criteria: Ambry Variant Classification Scheme 2023. Collection method: clinical testing. Allele origin: germline.

Mayo Clinic Laboratories, Mayo Clinic
Classification: Uncertain significance. Last evaluated: 2023-03-17. Review status: criteria provided, single submitter. Criteria: ACMG Guidelines, 2015. Collection method: clinical testing. Allele origin: germline. Observed: 1 variant allele.
Comment: BP4, PM2

Labcorp Genetics (formerly Invitae), Labcorp
Classification: Uncertain significance. Last evaluated: 2022-07-25. Review status: criteria provided, single submitter. Criteria: Invitae Variant Classification Sherloc (09022015). Collection method: clinical testing. Allele origin: germline.
Comment: This sequence change replaces lysine, which is basic and polar, with glutamic acid, which is acidic and polar, at codon 1872 of the PCDH15 protein (p.Lys1872Glu). This variant is present in population databases (rs147727092, gnomAD 0.02%). This variant has not been reported in the literature in individuals affected with PCDH15-related conditions. ClinVar contains an entry for this variant (Variation ID: 178518). Algorithms developed to predict the effect of missense changes on protein structure and function are either unavailable or do not agree on the potential impact of this missense change (SIFT: "Tolerated"; PolyPhen-2: "Not Available"; Align-GVGD: "Class C0"). In summary, the available evidence is currently insufficient to determine the role of this variant in disease. Therefore, it has been classified as a Variant of Uncertain Significance.

Laboratory for Molecular Medicine, Mass General Brigham Personalized Medicine
Classification: Uncertain significance. Last evaluated: 2013-11-13. Review status: criteria provided, single submitter. Criteria: LMM Criteria. Collection method: clinical testing. Allele origin: germline. Observed: 1 variant allele.
Comment: Variant classified as Uncertain Significance - Favor Benign. The Lys1872Glu vari ant in PCDH15 has not been reported in individuals with hearing loss but has bee n identified in 1/4406 African American chromosomes by the NHLBI Exome Sequencin g Project (dbSNP rs147727092). The lysine (Ly s) residue at position 1872 is poorly conserved across species and computational analyses (biochemical amino acid properties, AlignGVGD, PolyPhen2, and SIFT) su ggest that the Lys1872Glu variant may not impact the protein. However, this info rmation is not predictive enough to rule out pathogenicity. In summary, the clin ical significance of this variant cannot be determined with certainty; however b ased upon the conservation and computational data, we would lean towards a more likely benign role.

Natera, Inc.
Classification: Uncertain significance for Usher syndrome type 1F. Last evaluated: 2020-09-16. Review status: no assertion criteria provided. Collection method: clinical testing. Allele origin: germline. Not counted in ClinVar's aggregate classification.

NM_033056.4(PCDH15):c.5614A>G (p.Lys1872Glu)

Gene: PCDH15 (protocadherin related 15; minus strand). Cytogenetic location: 10q21.1.
Variant type: single nucleotide variant.
Coding change: c.5614A>G on transcript NM_033056.4 (MANE Plus Clinical); coding-DNA position 5614, A replaced by G.
Protein change: p.Lys1872Glu; replaces lysine 1872 with glutamic acid.
Molecular consequence: missense variant. On other transcripts: intron variant (8).
Genome position (GRCh38, 1-based): chr10:53,822,112, T>C on the plus strand (A>G on the coding strand, the complement: PCDH15 is on the minus strand). VCF-style: chr10-53822112-T-C. GRCh37 (hg19) VCF-style: chr10-55581872-T-C.
Other names: c.5635A>G, p.Lys1879Glu (NM_001142763.2); c.5620A>G, p.Lys1874Glu (NM_001142764.2); c.5407A>G, p.Lys1803Glu (NM_001142765.2); c.5605A>G, p.Lys1869Glu (NM_001142766.2); c.5494A>G, p.Lys1832Glu (NM_001142767.2); c.5554A>G, p.Lys1852Glu (NM_001142768.2); c.5545A>G, p.Lys1849Glu (NM_001142773.2); c.5548A>G, p.Lys1850Glu (NM_001354404.2); and 7 more; short protein forms K1872E, K1849E, K1869E, K1874E, K1803E, K1852E, K1832E, K1850E.
Identifiers: ClinVar variation 178518 (VCV000178518.11), dbSNP rs147727092, ClinGen allele CA182478.